The following is an entry in ClinVar:

ClinVar aggregate classification (germline): Uncertain significance (1 of 4 stars; one submission).

Conditions:
Long QT syndrome (LQTS). Identifiers: MedGen C0023976, MeSH D008133, MONDO:0002442. Disease mechanism: loss of function. Inheritance: Various modes of inheritance.

Allele frequency attached by ClinVar (database versions not stated): gnomAD 0.00001; TOPMed 0.00001; gnomAD exomes 0.00002; ESP Exome Variant Server 0.00008; ExAC 0.00001.
gnomAD v4.1: 14 of 1,609,192 alleles (0.00087%); highest among the groups gnomAD compares: Admixed American, 0.005%; no homozygotes.

Submission:

Labcorp Genetics (formerly Invitae), Labcorp
Classification: Uncertain significance for Long QT syndrome. Last evaluated: 2021-10-10. Review status: criteria provided, single submitter. Criteria: Invitae Variant Classification Sherloc (09022015). Collection method: clinical testing. Allele origin: germline.
Comment: In summary, the available evidence is currently insufficient to determine the role of this variant in disease. Therefore, it has been classified as a Variant of Uncertain Significance. Algorithms developed to predict the effect of missense changes on protein structure and function (SIFT, PolyPhen-2, Align-GVGD) all suggest that this variant is likely to be tolerated. ClinVar contains an entry for this variant (Variation ID: 810126). This variant has not been reported in the literature in individuals affected with AKAP9-related conditions. This variant is present in population databases (rs146689921, ExAC 0.009%). This sequence change replaces proline with threonine at codon 2887 of the AKAP9 protein (p.Pro2887Thr). The proline residue is weakly conserved and there is a small physicochemical difference between proline and threonine.

NM_005751.5(AKAP9):c.8659C>A (p.Pro2887Thr)

Gene: AKAP9 (A-kinase anchoring protein 9; plus strand). Cytogenetic location: 7q21.2.
Variant type: single nucleotide variant.
Coding change: c.8659C>A on transcript NM_005751.5 (MANE Select); coding-DNA position 8659, C replaced by A.
Protein change: p.Pro2887Thr; replaces proline 2887 with threonine.
Molecular consequence: missense variant.
Genome position (GRCh38, 1-based): chr7:92,084,652, C>A. VCF-style: chr7-92084652-C-A. GRCh37 (hg19) VCF-style: chr7-91713966-C-A.
Other names: c.3304C>A, p.Pro1102Thr (NM_001379277.1); c.8635C>A, p.Pro2879Thr (NM_147185.3); short protein forms P2879T, P2887T, P1102T.
Identifiers: ClinVar variation 810126 (VCV000810126.17), dbSNP rs146689921, ClinGen allele CA4337547.
Genomic context (GRCh38, chr7:92,084,652, plus strand): 5'-TTTTTATTAAAGCAAAAAATATATGTACTTTTTGTTTTCTCTAATTAGGGATCCTCAATT[C>A]CTGAGCTAGCACATTCTGATGCTTACCAGACTAGAGAAATATGCTCCAGTGGTAAGTTAT-3'
Protein context (NP_005742.4, residues 2877-2897): CLRSKEGSSI[Pro2887Thr]ELAHSDAYQT